The following is an entry in ClinVar:

NM_152424.4(AMER1):c.1715A>C (p.Glu572Ala)

Gene: AMER1 (APC membrane recruitment protein 1; minus strand). Cytogenetic location: Xq11.2.
Variant type: single nucleotide variant.
Coding change: c.1715A>C on transcript NM_152424.4 (MANE Select); coding-DNA position 1715, A replaced by C.
Protein change: p.Glu572Ala; replaces glutamic acid 572 with alanine.
Molecular consequence: missense variant.
Genome position (GRCh38, 1-based): chrX:64,191,572, T>G on the plus strand (A>C on the coding strand, the complement: AMER1 is on the minus strand). VCF-style: chrX-64191572-T-G. GRCh37 (hg19) VCF-style: chrX-63411452-T-G.
Other names: short protein forms E572A.
Identifiers: ClinVar variation 3343816 (VCV003343816.1).

ClinVar aggregate classification (germline): Uncertain significance (1 of 4 stars; one submission).

Submission:

GeneDx
Classification: Uncertain significance. Last evaluated: 2023-05-26. Review status: criteria provided, single submitter. Criteria: GeneDx Variant Classification Process June 2021. Collection method: clinical testing. Allele origin: germline. Affected: yes.
Comment: Not observed at significant frequency in large population cohorts (gnomAD); In silico analysis supports that this missense variant does not alter protein structure/function; Has not been previously published as pathogenic or benign to our knowledge